The following is an entry in ClinVar:

NM_001378969.1(KCND3):c.1336C>T (p.Arg446Cys)

Gene: KCND3 (potassium voltage-gated channel subfamily D member 3; minus strand). Cytogenetic location: 1p13.2.
Variant type: single nucleotide variant.
Coding change: c.1336C>T on transcript NM_001378969.1 (MANE Select); coding-DNA position 1336, C replaced by T.
Protein change: p.Arg446Cys; replaces arginine 446 with cysteine.
Molecular consequence: missense variant.
Genome position (GRCh38, 1-based): chr1:111,780,725, G>A on the plus strand (C>T on the coding strand, the complement: KCND3 is on the minus strand). VCF-style: chr1-111780725-G-A. GRCh37 (hg19) VCF-style: chr1-112323347-G-A.
Other names: c.1336C>T, p.Arg446Cys (NM_001378970.1, NM_004980.5, NM_172198.3); short protein forms R446C.
Identifiers: ClinVar variation 533725 (VCV000533725.8), dbSNP rs756087542, ClinGen allele CA1007468.

ClinVar aggregate classification (germline): Uncertain significance (1 of 4 stars; one submission).

Conditions:
Spinocerebellar ataxia type 19/22 (SCA19). Also called: SPINOCEREBELLAR ATAXIA 22; SPINOCEREBELLAR ATAXIA 19. Identifiers: Orphanet 98772, MedGen C1846367, MONDO:0011819, OMIM 607346.

Allele frequency attached by ClinVar (database versions not stated): TOPMed below 0.00001; ExAC 0.00001.
gnomAD v4.1: 1 of 1,612,948 alleles (0.000062%); highest among the groups gnomAD compares: South Asian, 0.0011%; no homozygotes.

Submission:

Labcorp Genetics (formerly Invitae), Labcorp
Classification: Uncertain significance for Spinocerebellar ataxia type 19/22. Last evaluated: 2017-09-25. Review status: criteria provided, single submitter. Criteria: Invitae Variant Classification Sherloc (09022015). Collection method: clinical testing. Allele origin: germline.
Comment: In summary, the available evidence is currently insufficient to determine the role of this variant in disease. Therefore, it has been classified as a Variant of Uncertain Significance. This sequence change replaces arginine with cysteine at codon 446 of the KCND3 protein (p.Arg446Cys). The arginine residue is highly conserved and there is a large physicochemical difference between arginine and cysteine. Algorithms developed to predict the effect of missense changes on protein structure and function (SIFT, PolyPhen-2, Align-GVGD) all suggest that this variant is likely to be disruptive, but these predictions have not been confirmed by published functional studies and their clinical significance is uncertain. This variant has not been reported in the literature in individuals with KCND3-related disease. This variant is present in population databases (rs756087542, ExAC 0.002%).